The following is an entry in ClinVar:

NM_021830.5(TWNK):c.712A>C (p.Ile238Leu)

Gene: TWNK (twinkle mtDNA helicase; plus strand). Cytogenetic location: 10q24.31.
Variant type: single nucleotide variant.
Coding change: c.712A>C on transcript NM_021830.5 (MANE Select); coding-DNA position 712, A replaced by C.
Protein change: p.Ile238Leu; replaces isoleucine 238 with leucine.
Molecular consequence: missense variant. On other transcripts: non-coding transcript variant (4), intron variant (3).
Genome position (GRCh38, 1-based): chr10:100,988,922, A>C. VCF-style: chr10-100988922-A-C. GRCh37 (hg19) VCF-style: chr10-102748679-A-C.
Other names: c.712A>C, p.Ile238Leu (NM_001163812.2); c.-119-722A>C (NM_001163814.2, NM_001163813.2); c.-57-784A>C (NM_001368275.1); short protein forms I238L.
Identifiers: ClinVar variation 3697446 (VCV003697446.2).

ClinVar aggregate classification (germline): Uncertain significance (1 of 4 stars; one submission).

Submission:

Labcorp Genetics (formerly Invitae), Labcorp
Classification: Uncertain significance. Last evaluated: 2024-04-25. Review status: criteria provided, single submitter. Criteria: Invitae Variant Classification Sherloc (09022015). Collection method: clinical testing. Allele origin: germline.
Comment: This sequence change replaces isoleucine, which is neutral and non-polar, with leucine, which is neutral and non-polar, at codon 238 of the TWNK protein (p.Ile238Leu). This variant is present in population databases (no rsID available, gnomAD 0.0009%). This variant has not been reported in the literature in individuals affected with TWNK-related conditions. Advanced modeling of protein sequence and biophysical properties (such as structural, functional, and spatial information, amino acid conservation, physicochemical variation, residue mobility, and thermodynamic stability) performed at Invitae indicates that this missense variant is not expected to disrupt TWNK protein function with a negative predictive value of 95%. In summary, the available evidence is currently insufficient to determine the role of this variant in disease. Therefore, it has been classified as a Variant of Uncertain Significance.